The following continues an entry in ClinVar:

NM_000478.6(ALPL):c.571G>A (p.Glu191Lys)

Gene: ALPL. ClinVar aggregate classification (germline): Pathogenic/Likely pathogenic. Pathogenic (35); Likely pathogenic (1).

Submissions 26 to 49 of 49:

Genome Diagnostics Laboratory, The Hospital for Sick Children
Classification: Pathogenic for Osteogenesis imperfecta. Last evaluated: 2021-08-13. Review status: criteria provided, single submitter. Criteria: ACMG Guidelines, 2015. Collection method: clinical testing. Allele origin: germline.

Seattle Children's Hospital Molecular Genetics Laboratory, Seattle Children's Hospital
Classification: Pathogenic for Childhood hypophosphatasia. Last evaluated: 2021-02-18. Review status: criteria provided, single submitter. Criteria: ACMG Guidelines, 2015. Collection method: clinical testing. Allele origin: unknown. Inheritance: Autosomal recessive inheritance. Affected: yes.
Comment: The c.571G>A (p.Glu191Lys) variant in the ALPL gene is observed at a minor allele frequency (MAF) of 1.6% in the European (Finnish) population, including 3 homozygous individuals. This variant has been reported in multiple individuals affected with autosomal recessive hypophosphatasia and observed to segregate with the disease in family studies (PMID: 12357339, PMID: 24569605). In vitro functional studies have suggested this variant mildly reduced the alkaline phosphatase (ALP) activity (PMID: 24569605).

Myriad Genetics, Inc.
Classification: Pathogenic for Infantile hypophosphatasia. Last evaluated: 2019-11-12. Review status: criteria provided, single submitter. Criteria: Myriad Women's Health Autosomal Recessive and X-Linked Classification Criteria (2019). Collection method: clinical testing. Allele origin: unknown.
Comment: NM_000478.4(ALPL):c.571G>A(E191K, aka E174K) is classified as pathogenic in the context of hypophosphatasia. Sources cited for classification include the following: PMID 25731960, 11438998, 19232125, 10679946, 11855933 and 10332035. Classification of NM_000478.4(ALPL):c.571G>A(E191K, aka E174K) is based on the following criteria: This is a well-established pathogenic variant in the literature that has been observed more frequently in patients with clinical diagnoses than in healthy populations. Please note: this variant was assessed in the context of healthy population screening.

Institute of Human Genetics, University of Leipzig Medical Center
Classification: Pathogenic for Childhood hypophosphatasia. Last evaluated: 2019-01-01. Review status: criteria provided, single submitter. Criteria: ACMG Guidelines, 2015. Collection method: clinical testing. Allele origin: unknown. Affected: yes.

Illumina Laboratory Services, Illumina
Classification: Pathogenic for Hypophosphatasia. Last evaluated: 2018-12-10. Review status: criteria provided, single submitter. Criteria: ICSL Variant Classification Criteria 09 May 2019. Collection method: clinical testing. Allele origin: germline.
Comment: The ALPL c.571G>A (p.Glu191Lys) missense variant, also known as p.Glu174Lys, is a well-documented pathogenic variant. It was first identified by Henthorn et al. (1992) in seven out of 46 patients with variable clinical presentation. At least four of these patients were compound heterozygotes for the p.Glu191Lys variant and a second variant, while zygosity was not confirmed in other patients. These patients represented three clinical forms of hypophosphatasia: perinatal (lethal), childhood, and adult and showed autosomal recessive inheritance. HÃ©rasse et al. (2002) reported that the p.Glu191Lys variant is a recurrent variant found in approximately 7% of affected Caucasian chromosomes. In this patient population, the p.Glu191Lys variant was seen in 31% of patients with mild hypophosphatasia (child, adult, and odonto forms). The p.Glu191Lys variant is found at a frequency of 0.01995 in the European (Finnish) population of the Exome Aggregation Consortium. In vitro functional studies performed by Fauvert et al. (2009) showed that the p.Glu191Lys variant has a residual activity of 56% compared to wild type. Based on the collective evidence, the p.Glu191Lys variant is classified as pathogenic for hypophosphatasia. This variant was observed by ICSL as part of a predisposition screen in an ostensibly healthy population.

Fulgent Genetics
Classification: Pathogenic for Adult hypophosphatasia; Infantile hypophosphatasia; Childhood hypophosphatasia. Last evaluated: 2018-10-31. Review status: criteria provided, single submitter. Criteria: ACMG Guidelines, 2015. Collection method: clinical testing. Allele origin: unknown.

Center for Pediatric Genomic Medicine, Children's Mercy Hospital and Clinics
Classification: Pathogenic. Last evaluated: 2016-05-06. Review status: criteria provided, single submitter. Criteria: ACMG Guidelines, 2015. Collection method: clinical testing. Allele origin: germline.

Eurofins Ntd Llc (ga)
Classification: Pathogenic. Last evaluated: 2016-04-13. Review status: criteria provided, single submitter. Criteria: EGL Classification Definitions 2015. Collection method: clinical testing. Allele origin: germline. Observed: 7 variant alleles, 7 heterozygotes.

Women's Health and Genetics/Laboratory Corporation of America, LabCorp
Classification: Pathogenic for Hypophosphatasia. Last evaluated: 2016-02-17. Review status: criteria provided, single submitter. Criteria: LabCorp Variant Classification Summary - May 2015. Collection method: clinical testing. Allele origin: germline.

CENTOGENE GmbH and LLC - Guiding Precision Medicine
Classification: Pathogenic for Odontohypophosphatasia. Review status: criteria provided, single submitter. Criteria: ACMG Guidelines, 2015. Collection method: clinical testing. Allele origin: germline. Affected: yes.

Juno Genomics, Hangzhou Juno Genomics, Inc
Classification: Pathogenic for Adult hypophosphatasia; Childhood hypophosphatasia; Infantile hypophosphatasia. Review status: criteria provided, single submitter. Criteria: ACMG Guidelines, 2015. Collection method: clinical testing. Allele origin: germline.
Comment: Multiple lines of computational evidence support a deleterious effect on the gene or gene product.;For recessive disorders, detected in trans with a pathogenic variant.;The prevalence of the variant in affected individuals is significantly increased compared to the prevalence in controls.;Patient's phenotype or family history is highly specific for a disease with a single genetic etiology.

Department of Pediatrics, Taizhou Central Hospital, Taizhou University Hospital
Classification: Likely pathogenic for Infantile hypophosphatasia. Last evaluated: 2024-02-01. Review status: no assertion criteria provided. Collection method: clinical testing. Allele origin: paternal. Affected: yes. Observed: 1 variant allele. Not counted in ClinVar's aggregate classification.

Undiagnosed Diseases Network, NIH
Classification: Pathogenic for Adult hypophosphatasia. Last evaluated: 2021-11-04. Review status: no assertion criteria provided. Collection method: clinical testing. Allele origin: maternal. Inheritance: Autosomal dominant inheritance. Affected: yes. Observed: 1 variant allele, 1 heterozygote. Study: Undiagnosed Diseases Network (NIH), UDN. Not counted in ClinVar's aggregate classification.

Reproductive Health Research and Development, BGI Genomics
Classification: Pathogenic for Hypophosphatasia. Last evaluated: 2020-01-06. Review status: no assertion criteria provided. Collection method: curation. Allele origin: germline. Not counted in ClinVar's aggregate classification.
Comment: NM_000478.4:c.571G>A in the ALPL gene has an allele frequency of 0.017 in European(Finnish) subpopulation in the gnomAD database. Functional studies demonstrate that c.571G>A has reduced alkaline phosphatase activity due to structural disturbances and delay in membrane anchoring (PMID:17719863). It was detected in multiple individuals with autosomal recessive hypophosphatasia, compound heterozygous with p.Gly334Asp (PMID: 24569605), c.186G>C (p.M45I) (PMID: 15671102). The patient's phenotype is highly specific for ALPL gene (PMID: 15671102). Co-segregation evidence in a pedigree,one patient was affected and two sister unaffected (PMID:15671102). Pathogenic computational verdict because pathogenic predictions from DANN, DEOGEN2, EIGEN, FATHMM-MKL, MVP, MutationTaster, PrimateAI and REVEL. Phenotype date Taken together, we interprete this variant as Pathogenic/Likely pathogenic variant. ACMG/AMP criteria applied: PS3; PM3_Strong; PP1; PP4; PP3.

Division of Human Genetics, Children's Hospital of Philadelphia
Classification: Likely pathogenic for Childhood hypophosphatasia. Last evaluated: 2015-10-27. Review status: no assertion criteria provided. Collection method: research. Allele origin: germline. Study: CSER-PediSeq. Not counted in ClinVar's aggregate classification.

OMIM
Classification: Pathogenic for HYPOPHOSPHATASIA, INFANTILE. Last evaluated: 2002-10-01. Review status: no assertion criteria provided. Collection method: literature only. Allele origin: germline. Not counted in ClinVar's aggregate classification.

OMIM
Classification: Pathogenic for HYPOPHOSPHATASIA, CHILDHOOD. Last evaluated: 2002-10-01. Review status: no assertion criteria provided. Collection method: literature only. Allele origin: germline. Not counted in ClinVar's aggregate classification.

OMIM
Classification: Pathogenic for HYPOPHOSPHATASIA, ADULT. Last evaluated: 2002-10-01. Review status: no assertion criteria provided. Collection method: literature only. Allele origin: germline. Not counted in ClinVar's aggregate classification.

Clinical Genetics DNA and cytogenetics Diagnostics Lab, Erasmus MC, Erasmus Medical Center
Classification: Pathogenic. Review status: no assertion criteria provided. Collection method: clinical testing. Allele origin: germline. Affected: yes. Study: VKGL Data-share Consensus. Not counted in ClinVar's aggregate classification.

Diagnostic Laboratory, Department of Genetics, University Medical Center Groningen
Classification: Pathogenic. Review status: no assertion criteria provided. Collection method: clinical testing. Allele origin: germline. Affected: yes. Study: VKGL Data-share Consensus. Not counted in ClinVar's aggregate classification.

GeneReviews
No classification provided. Condition: Hypophosphatasia. Review status: no classification provided. Collection method: literature only. Allele origin: germline. Affected: yes. Not counted in ClinVar's aggregate classification.

Genome Diagnostics Laboratory, Amsterdam University Medical Center
Classification: Pathogenic. Review status: no assertion criteria provided. Collection method: clinical testing. Allele origin: germline. Affected: yes. Study: VKGL Data-share Consensus. Not counted in ClinVar's aggregate classification.

Genome Diagnostics Laboratory, University Medical Center Utrecht
Classification: Pathogenic. Review status: no assertion criteria provided. Collection method: clinical testing. Allele origin: germline. Affected: yes. Study: VKGL Data-share Consensus. Not counted in ClinVar's aggregate classification.

Joint Genome Diagnostic Labs from Nijmegen and Maastricht, Radboudumc and MUMC+
Classification: Pathogenic. Review status: no assertion criteria provided. Collection method: clinical testing. Allele origin: germline. Affected: yes. Study: VKGL Data-share Consensus. Not counted in ClinVar's aggregate classification.

Literature cited by the submitters: PubMed 1409720 (cited by 9 submitters); PubMed 10332035 (cited by Ambry Genetics and Myriad Genetics, Inc.); PubMed 12357339 (cited by 10 submitters); PubMed 20739387 (cited by 6 submitters); PubMed 24569605 (cited by 10 submitters); PubMed 29236161 (cited by Ambry Genetics and Center for Genomic Medicine, Rigshospitalet, Copenhagen University Hospital); PubMed 32160374 (cited by 5 submitters); PubMed 32973344 (cited by 4 submitters); PubMed 33549410 (cited by Ambry Genetics); PubMed 15671102 (cited by 3 submitters); PubMed 19500388 (cited by 8 submitters); PubMed 23688511 (cited by Victorian Clinical Genetics Services, Murdoch Childrens Research Institute); PubMed 32811521 (cited by Victorian Clinical Genetics Services, Murdoch Childrens Research Institute and Genomenon, Inc); PubMed 20301329 (cited by Victorian Clinical Genetics Services, Murdoch Childrens Research Institute); PubMed 33093890 (cited by Otogenetics); PubMed 31600233 (cited by Otogenetics); PubMed 34258332 (cited by Genomenon, Inc); PubMed 25731960 (cited by 3 submitters); PubMed 29774402 (cited by Genomenon, Inc); PubMed 11438998 (cited by Genomenon, Inc and Myriad Genetics, Inc.); PubMed 33101980 (cited by Genomenon, Inc); PubMed 38933926 (cited by Natera, Inc.); PubMed 37600704 (cited by Natera, Inc.); PubMed 36097602 (cited by Center for Genomic Medicine, Rigshospitalet, Copenhagen University Hospital); PubMed 17719863 (cited by 3 submitters); PubMed 19232125 (cited by Myriad Genetics, Inc.); PubMed 10679946 (cited by Myriad Genetics, Inc.); PubMed 11855933 (cited by Myriad Genetics, Inc.); NCBI Bookshelf NBK1150 (cited by GeneReviews).